The following is an entry in ClinVar:

ClinVar aggregate classification (germline): Uncertain significance (1 of 4 stars; one submission).

Submission:

Ambry Genetics
Classification: Uncertain significance. Last evaluated: 2021-03-08. Review status: criteria provided, single submitter. Criteria: Ambry Variant Classification Scheme 2023. Collection method: clinical testing. Allele origin: germline.
Comment: The p.N181Y variant (also known as c.541A>T), located in coding exon 5 of the RECQL gene, results from an A to T substitution at nucleotide position 541. The asparagine at codon 181 is replaced by tyrosine, an amino acid with dissimilar properties. This amino acid position is not well conserved in available vertebrate species. In addition, this alteration is predicted to be tolerated by in silico analysis. Since supporting evidence is limited at this time, the clinical significance of this alteration remains unclear.

NM_002907.4(RECQL):c.541A>T (p.Asn181Tyr)

Gene: RECQL (RecQ like helicase; minus strand). Cytogenetic location: 12p12.1.
Variant type: single nucleotide variant.
Coding change: c.541A>T on transcript NM_002907.4 (MANE Select); coding-DNA position 541, A replaced by T.
Protein change: p.Asn181Tyr; replaces asparagine 181 with tyrosine.
Molecular consequence: missense variant.
Genome position (GRCh38, 1-based): chr12:21,483,535, T>A on the plus strand (A>T on the coding strand, the complement: RECQL is on the minus strand). VCF-style: chr12-21483535-T-A. GRCh37 (hg19) VCF-style: chr12-21636469-T-A.
Other names: c.541A>T, p.Asn181Tyr (NM_032941.3); short protein forms N181Y.
Identifiers: ClinVar variation 1747418 (VCV001747418.2), dbSNP rs2540375773, ClinGen allele CA384127769.